The following is an entry in ClinVar:

ClinVar aggregate classification (germline): Uncertain significance. Review status: criteria provided, single submitter (1 of 4 stars). 2 submissions from 2 submitters: Uncertain significance (1). 1 of the submissions does not count toward it. Last evaluated 2024-12-16.

Conditions:
SLC35A2-congenital disorder of glycosylation. Also called: DEVELOPMENTAL AND EPILEPTIC ENCEPHALOPATHY 22; CONGENITAL DISORDER OF GLYCOSYLATION, TYPE IIm; CDG IIm; CONGENITAL DISORDER OF GLYCOSYLATION, TYPE IIm, SOMATIC MOSAIC; EPILEPTIC ENCEPHALOPATHY, EARLY INFANTILE, 22; SLC35A2-CDG. Identifiers: Orphanet 356961, MedGen C3806688, MONDO:0010478, OMIM 300896.

Allele frequency attached by ClinVar (database versions not stated): gnomAD exomes below 0.00001.

Submissions (2):

GeneDx
Classification: Uncertain significance. Last evaluated: 2024-12-16. Review status: criteria provided, single submitter. Criteria: GeneDx Variant Classification Process June 2021. Collection method: clinical testing. Allele origin: germline. Affected: yes.
Comment: Not observed at significant frequency in large population cohorts (gnomAD); In silico analysis indicates that this missense variant does not alter protein structure/function; This variant is associated with the following publications: (PMID: 34161696)

OMIM
Classification: Pathogenic for CONGENITAL DISORDER OF GLYCOSYLATION, TYPE IIm. Last evaluated: 2024-02-29. Review status: no assertion criteria provided. Collection method: literature only. Allele origin: germline. Not counted in ClinVar's aggregate classification.

Literature cited by the submitters: PubMed 34161696 (cited by OMIM).

NM_005660.3(SLC35A2):c.541A>G (p.Ile181Val)

Gene: SLC35A2 (solute carrier family 35 member A2; minus strand). Cytogenetic location: Xp11.23.
Variant type: single nucleotide variant.
Coding change: c.541A>G on transcript NM_005660.3 (MANE Select); coding-DNA position 541, A replaced by G.
Protein change: p.Ile181Val; replaces isoleucine 181 with valine.
Molecular consequence: missense variant. On other transcripts: intron variant (3).
Genome position (GRCh38, 1-based): chrX:48,905,368, T>C on the plus strand (A>G on the coding strand, the complement: SLC35A2 is on the minus strand). VCF-style: chrX-48905368-T-C. GRCh37 (hg19) VCF-style: chrX-48762645-T-C.
Other names: c.541A>G, p.Ile181Val (NM_001042498.3); c.358A>G, p.Ile120Val (NM_001282649.2); c.580A>G, p.Ile194Val (NM_001282650.2); c.625A>G, p.Ile209Val (NM_001282651.2); c.427-476A>G (NM_001282647.2, NM_001032289.3); c.355-476A>G (NM_001282648.2); c.541A>G (NM_001042498.2); short protein forms I181V, I120V, I194V, I209V.
Identifiers: ClinVar variation 3024426 (VCV003024426.5), dbSNP rs2519646983, ClinGen allele CA412895749.